The following is an entry in ClinVar:

ClinVar aggregate classification (germline): Uncertain significance (1 of 4 stars; one submission).

Conditions:
Noonan syndrome (NS). Also called: Noonan's syndrome. Identifiers: Orphanet 648, MedGen C0028326, MeSH D009634, MONDO:0018997. Disease mechanism: gain of function.

Allele frequency attached by ClinVar (database versions not stated): gnomAD exomes below 0.00001 and 0.00001; gnomAD 0.00001; TOPMed 0.00001.
gnomAD v4.1: 13 of 1,613,386 alleles (0.00081%); highest among the groups gnomAD compares: Middle Eastern, 0.016%; no homozygotes.

Submission:

Labcorp Genetics (formerly Invitae), Labcorp
Classification: Uncertain significance for Noonan syndrome. Last evaluated: 2024-08-16. Review status: criteria provided, single submitter. Criteria: Invitae Variant Classification Sherloc (09022015). Collection method: clinical testing. Allele origin: germline.
Comment: This sequence change replaces arginine, which is basic and polar, with histidine, which is basic and polar, at codon 99 of the RRAS protein (p.Arg99His). The frequency data for this variant in the population databases is considered unreliable, as metrics indicate poor data quality at this position in the gnomAD database. This variant has not been reported in the literature in individuals affected with RRAS-related conditions. ClinVar contains an entry for this variant (Variation ID: 1428993). An algorithm developed to predict the effect of missense changes on protein structure and function (PolyPhen-2) suggests that this variant is likely to be disruptive. In summary, the available evidence is currently insufficient to determine the role of this variant in disease. Therefore, it has been classified as a Variant of Uncertain Significance.

NM_006270.5(RRAS):c.296G>A (p.Arg99His)

Gene: RRAS (RAS related; minus strand). Cytogenetic location: 19q13.33.
Variant type: single nucleotide variant.
Coding change: c.296G>A on transcript NM_006270.5 (MANE Select); coding-DNA position 296, G replaced by A.
Protein change: p.Arg99His; replaces arginine 99 with histidine.
Molecular consequence: missense variant.
Genome position (GRCh38, 1-based): chr19:49,636,872, C>T on the plus strand (G>A on the coding strand, the complement: RRAS is on the minus strand). VCF-style: chr19-49636872-C-T. GRCh37 (hg19) VCF-style: chr19-50140129-C-T.
Other names: short protein forms R99H.
Identifiers: ClinVar variation 1428993 (VCV001428993.8), dbSNP rs1287689249, ClinGen allele CA406847241.
Genomic context (GRCh38, chr19:49,636,872, plus strand): 5'-AACCCCTGTCACCTCTGCCGGTCGTTAATGGCGAACACCAGCAGGAAGCCGTGGCCAGCA[C>T]GCATGTACTGCTCTCTCATGGCCCCGAACTCTTCCTGGCCCGCGGTGTCCAGGACTGCAG-3'
Protein context (NP_006261.1, residues 89-109): EFGAMREQYM[Arg99His]AGHGFLLVFA